The following is an entry in ClinVar:

ClinVar aggregate classification (germline): Uncertain significance (1 of 4 stars; one submission).

Conditions:
Hypertrophic cardiomyopathy 26. Also called: Cardiomyopathy, familial hypertrophic, 26. Identifiers: Orphanet 75249, MedGen C4310749, MONDO:0014883, OMIM 617047.
Myofibrillar myopathy 5. Also called: Filaminopathy (type); FILAMINOPATHY, AUTOSOMAL DOMINANT. Identifiers: Orphanet 171445, MedGen C1836050, MONDO:0012289, OMIM 609524.
Distal myopathy with posterior leg and anterior hand involvement. Also called: WILLIAMS DISTAL MYOPATHY. Identifiers: Orphanet 63273, MedGen C3279722, MONDO:0013550, OMIM 614065.

Submission:

Labcorp Genetics (formerly Invitae), Labcorp
Classification: Uncertain significance for Distal myopathy with posterior leg and anterior hand involvement; Myofibrillar myopathy 5; Hypertrophic cardiomyopathy 26. Last evaluated: 2025-12-27. Review status: criteria provided, single submitter. Criteria: Invitae Variant Classification Sherloc (09022015). Collection method: clinical testing. Allele origin: germline.
Comment: This sequence change replaces tyrosine, which is neutral and polar, with cysteine, which is neutral and slightly polar, at codon 1068 of the FLNC protein (p.Tyr1068Cys). This variant is not present in population databases (gnomAD no frequency). This variant has not been reported in the literature in individuals affected with FLNC-related conditions. Invitae Evidence Modeling of protein sequence and biophysical properties (such as structural, functional, and spatial information, amino acid conservation, physicochemical variation, residue mobility, and thermodynamic stability) has been performed for this missense variant. However, the output from this modeling did not meet the statistical confidence thresholds required to predict the impact of this variant on FLNC protein function. In summary, the available evidence is currently insufficient to determine the role of this variant in disease. Therefore, it has been classified as a Variant of Uncertain Significance.

NM_001458.5(FLNC):c.3203A>G (p.Tyr1068Cys)

Gene: FLNC (filamin C; plus strand). Cytogenetic location: 7q32.1.
Variant type: single nucleotide variant.
Coding change: c.3203A>G on transcript NM_001458.5 (MANE Select); coding-DNA position 3203, A replaced by G.
Protein change: p.Tyr1068Cys; replaces tyrosine 1068 with cysteine.
Molecular consequence: missense variant.
Genome position (GRCh38, 1-based): chr7:128,844,668, A>G. VCF-style: chr7-128844668-A-G. GRCh37 (hg19) VCF-style: chr7-128484722-A-G.
Other names: c.3203A>G, p.Tyr1068Cys (NM_001127487.2); short protein forms Y1068C.
Identifiers: ClinVar variation 4812413 (VCV004812413.1).